The following is an entry in ClinVar:

ClinVar aggregate classification (germline): Uncertain significance (1 of 4 stars; one submission).

Conditions:
Hereditary cancer-predisposing syndrome. Also called: Neoplastic Syndromes, Hereditary; Tumor predisposition; Hereditary Cancer Syndrome; Hereditary neoplastic syndrome. Identifiers: Orphanet 140162, MedGen C0027672, MeSH D009386, MONDO:0015356.

Submission:

Ambry Genetics
Classification: Uncertain significance for Hereditary cancer-predisposing syndrome. Last evaluated: 2015-09-10. Review status: criteria provided, single submitter. Criteria: Ambry Variant Classification Scheme 2023. Collection method: clinical testing. Allele origin: germline.
Comment: The p.A501G variant (also known as c.1502C>G), located in coding exon 6 of the BARD1 gene, results from a C to G substitution at nucleotide position 1502. The alanine at codon 501 is replaced by glycine, an amino acid with similar properties. This variant was not reported in population based cohorts in the following databases: Database of Single Nucleotide Polymorphisms (dbSNP), NHLBI Exome Sequencing Project (ESP), and 1000 Genomes Project. In the ESP, this variant was not observed in 6503 samples (13006 alleles) with coverage at this position. To date, this alteration has been detected with an allele frequency of approximately 0.002% (greater than 65000 alleles tested) in our clinical cohort. This amino acid position is highly conserved in available vertebrate species. In addition, this alteration is predicted to be deleterious by in silico analysis. Since supporting evidence is limited at this time, the clinical significance of p.A501G remains unclear.

NM_000465.4(BARD1):c.1502C>G (p.Ala501Gly)

Gene: BARD1 (BRCA1 associated RING domain 1; minus strand). Cytogenetic location: 2q35.
Variant type: single nucleotide variant.
Coding change: c.1502C>G on transcript NM_000465.4 (MANE Select); coding-DNA position 1502, C replaced by G.
Protein change: p.Ala501Gly; replaces alanine 501 with glycine.
Molecular consequence: missense variant. On other transcripts: non-coding transcript variant (3), intron variant (3).
Genome position (GRCh38, 1-based): chr2:214,767,548, G>C on the plus strand (C>G on the coding strand, the complement: BARD1 is on the minus strand). VCF-style: chr2-214767548-G-C. GRCh37 (hg19) VCF-style: chr2-215632272-G-C.
Other names: c.1445C>G, p.Ala482Gly (NM_001282543.2); c.159-14993C>G (NM_001282548.2); c.216-14993C>G (NM_001282545.2); c.364+24749C>G (NM_001282549.2); short protein forms A501G, A482G.
Identifiers: ClinVar variation 233817 (VCV000233817.5), dbSNP rs876660659, ClinGen allele CA10577802.